The following is an entry in ClinVar:

ClinVar aggregate classification (germline): Uncertain significance (1 of 4 stars; one submission).

Conditions:
Kabuki syndrome. Also called: NIIKAWA-KUROKI SYNDROME; Kabuki make-up syndrome. Identifiers: Orphanet 2322, MedGen C0796004, MONDO:0016512.

Submission:

Labcorp Genetics (formerly Invitae), Labcorp
Classification: Uncertain significance for Kabuki syndrome. Last evaluated: 2025-10-20. Review status: criteria provided, single submitter. Criteria: Invitae Variant Classification Sherloc (09022015). Collection method: clinical testing. Allele origin: germline.
Comment: This sequence change replaces proline, which is neutral and non-polar, with serine, which is neutral and polar, at codon 4522 of the KMT2D protein (p.Pro4522Ser). This variant is not present in population databases (gnomAD no frequency). This variant has not been reported in the literature in individuals affected with KMT2D-related conditions. ClinVar contains an entry for this variant (Variation ID: 1523826). Invitae Evidence Modeling of protein sequence and biophysical properties (such as structural, functional, and spatial information, amino acid conservation, physicochemical variation, residue mobility, and thermodynamic stability) indicates that this missense variant is not expected to disrupt KMT2D protein function with a negative predictive value of 95%. In summary, the available evidence is currently insufficient to determine the role of this variant in disease. Therefore, it has been classified as a Variant of Uncertain Significance.

NM_003482.4(KMT2D):c.13564C>T (p.Pro4522Ser)

Gene: KMT2D (lysine methyltransferase 2D; minus strand). Cytogenetic location: 12q13.12.
Variant type: single nucleotide variant.
Coding change: c.13564C>T on transcript NM_003482.4 (MANE Select); coding-DNA position 13564, C replaced by T.
Protein change: p.Pro4522Ser; replaces proline 4522 with serine.
Molecular consequence: missense variant.
Genome position (GRCh38, 1-based): chr12:49,031,000, G>A on the plus strand (C>T on the coding strand, the complement: KMT2D is on the minus strand). VCF-style: chr12-49031000-G-A. GRCh37 (hg19) VCF-style: chr12-49424783-G-A.
Other names: short protein forms P4522S.
Identifiers: ClinVar variation 1523826 (VCV001523826.6), dbSNP rs935977103, ClinGen allele CA236638206.